The following is an entry in ClinVar:

ClinVar aggregate classification (germline): Uncertain significance (1 of 4 stars; one submission).

Conditions:
Inborn genetic diseases. Identifiers: MedGen C0950123, MeSH D030342.

Submission:

Ambry Genetics
Classification: Uncertain significance for Inborn genetic diseases. Last evaluated: 2024-08-31. Review status: criteria provided, single submitter. Criteria: Ambry Variant Classification Scheme 2023. Collection method: clinical testing. Allele origin: germline.
Comment: The p.F217S variant (also known as c.650T>C), located in coding exon 7 of the AKT1 gene, results from a T to C substitution at nucleotide position 650. The phenylalanine at codon 217 is replaced by serine, an amino acid with highly dissimilar properties. This amino acid position is conserved. In addition, this alteration is predicted to be deleterious by in silico analysis. Based on the available evidence, the clinical significance of this variant remains unclear.

NM_001382430.1(AKT1):c.650T>C (p.Phe217Ser)

Gene: AKT1 (AKT serine/threonine kinase 1; minus strand). Cytogenetic location: 14q32.33.
Variant type: single nucleotide variant.
Coding change: c.650T>C on transcript NM_001382430.1 (MANE Select); coding-DNA position 650, T replaced by C.
Protein change: p.Phe217Ser; replaces phenylalanine 217 with serine.
Molecular consequence: missense variant.
Genome position (GRCh38, 1-based): chr14:104,773,964, A>G on the plus strand (T>C on the coding strand, the complement: AKT1 is on the minus strand). VCF-style: chr14-104773964-A-G. GRCh37 (hg19) VCF-style: chr14-105240301-A-G.
Other names: c.650T>C, p.Phe217Ser (NM_001014431.2, NM_001014432.2, NM_001382431.1 and 3 more transcripts); short protein forms F217S.
Identifiers: ClinVar variation 3518991 (VCV003518991.1).